The following is an entry in ClinVar:

ClinVar aggregate classification (germline): Uncertain significance. Review status: criteria provided, multiple submitters, no conflicts (2 of 4 stars). 2 submissions from 2 submitters: Uncertain significance (2). Last evaluated 2026-01-01.

Conditions:
CRYBA1-related disorder. Also called: CRYBA1-related condition.

Submissions (2):

CeGaT Center for Human Genetics Tuebingen
Classification: Uncertain significance. Last evaluated: 2026-01-01. Review status: criteria provided, single submitter. Criteria: CeGaT Center For Human Genetics Tuebingen Variant Classification Criteria Version 2. Collection method: clinical testing. Allele origin: germline. Affected: yes. Observed: 1 variant allele.
Comment: CRYBA1: PM2

PreventionGenetics, part of Exact Sciences
Classification: Uncertain significance for CRYBA1-related condition. Last evaluated: 2025-04-26. Review status: criteria provided, single submitter. Criteria: ACMG Guidelines, 2015. Collection method: clinical testing. Allele origin: germline.
Comment: The CRYBA1 c.263T>C variant is predicted to result in the amino acid substitution p.Leu88Pro. To our knowledge, this variant has not been reported in the literature or in a large population database (gnomAD), indicating this variant is rare. At this time, the clinical significance of this variant is uncertain due to the absence of conclusive functional and genetic evidence.

NM_005208.5(CRYBA1):c.263T>C (p.Leu88Pro)

Gene: CRYBA1 (crystallin beta A1; plus strand). Cytogenetic location: 17q11.2.
Variant type: single nucleotide variant.
Coding change: c.263T>C on transcript NM_005208.5 (MANE Select); coding-DNA position 263, T replaced by C.
Protein change: p.Leu88Pro; replaces leucine 88 with proline.
Molecular consequence: missense variant.
Genome position (GRCh38, 1-based): chr17:29,252,111, T>C. VCF-style: chr17-29252111-T-C. GRCh37 (hg19) VCF-style: chr17-27579129-T-C.
Other names: c.263T>C (NM_005208.4); short protein forms L88P.
Identifiers: ClinVar variation 4823126 (VCV004823126.5).